The following is an entry in ClinVar:

ClinVar aggregate classification (germline): Uncertain significance (1 of 4 stars; one submission).

Submission:

Labcorp Genetics (formerly Invitae), Labcorp
Classification: Uncertain significance. Last evaluated: 2022-07-17. Review status: criteria provided, single submitter. Criteria: Invitae Variant Classification Sherloc (09022015). Collection method: clinical testing. Allele origin: germline.
Comment: In summary, the available evidence is currently insufficient to determine the role of this variant in disease. Therefore, it has been classified as a Variant of Uncertain Significance. This sequence change replaces leucine, which is neutral and non-polar, with phenylalanine, which is neutral and non-polar, at codon 556 of the LBR protein (p.Leu556Phe). This variant is not present in population databases (gnomAD no frequency). This variant has not been reported in the literature in individuals affected with LBR-related conditions. Algorithms developed to predict the effect of missense changes on protein structure and function are either unavailable or do not agree on the potential impact of this missense change (SIFT: "Deleterious"; PolyPhen-2: "Probably Damaging"; Align-GVGD: "Class C0").

NM_002296.4(LBR):c.1668G>C (p.Leu556Phe)

Gene: LBR (lamin B receptor; minus strand). Cytogenetic location: 1q42.12.
Variant type: single nucleotide variant.
Coding change: c.1668G>C on transcript NM_002296.4 (MANE Select); coding-DNA position 1668, G replaced by C.
Protein change: p.Leu556Phe; replaces leucine 556 with phenylalanine.
Molecular consequence: missense variant.
Genome position (GRCh38, 1-based): chr1:225,404,423, C>G on the plus strand (G>C on the coding strand, the complement: LBR is on the minus strand). VCF-style: chr1-225404423-C-G. GRCh37 (hg19) VCF-style: chr1-225592125-C-G.
Other names: c.1668G>C, p.Leu556Phe (NM_194442.3); short protein forms L556F.
Identifiers: ClinVar variation 2002432 (VCV002002432.4), dbSNP rs764727862, ClinGen allele CA344992817.